The following is an entry in ClinVar:

NM_000138.5(FBN1):c.4025C>G (p.Thr1342Arg)

Gene: FBN1 (fibrillin 1; minus strand). Cytogenetic location: 15q21.1.
Variant type: single nucleotide variant.
Coding change: c.4025C>G on transcript NM_000138.5 (MANE Select); coding-DNA position 4025, C replaced by G.
Protein change: p.Thr1342Arg; replaces threonine 1342 with arginine.
Molecular consequence: missense variant.
Genome position (GRCh38, 1-based): chr15:48,474,590, G>C on the plus strand (C>G on the coding strand, the complement: FBN1 is on the minus strand). VCF-style: chr15-48474590-G-C. GRCh37 (hg19) VCF-style: chr15-48766787-G-C.
Other names: c.4025C>G, p.Thr1342Arg (NM_001406716.1); short protein forms T1342R.
Identifiers: ClinVar variation 3906696 (VCV003906696.1).
Genomic context (GRCh38, chr15:48,474,590, plus strand): 5'-GTGCACTTAATGCCATCTCCAATCCACCCGGGACTGCAGCTACATTTGAAGCTTCCTGCT[G>C]TATTGGTACATACAGCATGTTTGCCACAGTTGTGTGCTCCAATTTCACATTCATTGATGT-3'
Protein context (NP_000129.3, residues 1332-1352): NCGKHAVCTN[Thr1342Arg]AGSFKCSCSP

ClinVar aggregate classification (germline): Uncertain significance (1 of 4 stars; one submission).

gnomAD v4.1: 1 of 1,614,192 alleles (0.000062%); highest among the groups gnomAD compares: South Asian, 0.0011%; no homozygotes.

Submission:

GeneDx
Classification: Uncertain significance. Last evaluated: 2024-12-20. Review status: criteria provided, single submitter. Criteria: GeneDx Variant Classification Process June 2021. Collection method: clinical testing. Allele origin: germline. Affected: yes.
Comment: Not observed at significant frequency in large population cohorts (gnomAD); In silico analysis supports that this missense variant has a deleterious effect on protein structure/function; Has not been previously published as pathogenic or benign to our knowledge; Does not affect a cysteine or calcium-binding residue within an EGF-like domain or a TGF-binding protein domain of the FBN1 gene; cysteine substitutions in the EGF-like domains represent the majority of pathogenic missense changes associated with FBN1-related disorders (PMID: 12938084); This variant is associated with the following publications: (PMID: 12938084)